The following is an entry in ClinVar:

ClinVar aggregate classification (germline): Uncertain significance (1 of 4 stars; one submission).

Conditions:
SEC23B-related disorder. Also called: SEC23B-related condition; SEC23B-related disorders.

gnomAD v4.1: 14 of 1,614,190 alleles (0.00087%); highest among the groups gnomAD compares: East Asian, 0.0045%; no homozygotes.

Submission:

PreventionGenetics, part of Exact Sciences
Classification: Uncertain significance for SEC23B-related condition. Last evaluated: 2024-11-04. Review status: criteria provided, single submitter. Criteria: ACMG Guidelines, 2015. Collection method: clinical testing. Allele origin: germline.
Comment: The SEC23B c.934A>G variant is predicted to result in the amino acid substitution p.Ile312Val. To our knowledge, this variant has not been reported in the literature. This variant is reported in 0.0058% of alleles in individuals of Latino descent in gnomAD. At this time, the clinical significance of this variant is uncertain due to the absence of conclusive functional and genetic evidence.

NM_006363.6(SEC23B):c.934A>G (p.Ile312Val)

Gene: SEC23B (SEC23 homolog B, COPII component; plus strand). Cytogenetic location: 20p11.23.
Variant type: single nucleotide variant.
Coding change: c.934A>G on transcript NM_006363.6 (MANE Select); coding-DNA position 934, A replaced by G.
Protein change: p.Ile312Val; replaces isoleucine 312 with valine.
Molecular consequence: missense variant.
Genome position (GRCh38, 1-based): chr20:18,526,472, A>G. VCF-style: chr20-18526472-A-G. GRCh37 (hg19) VCF-style: chr20-18507116-A-G.
Other names: c.934A>G, p.Ile312Val (NM_001172745.3, NM_032985.6, NM_032986.5); c.880A>G, p.Ile294Val (NM_001172746.3); short protein forms I312V, I294V.
Identifiers: ClinVar variation 4986217 (VCV004986217.1).
Genomic context (GRCh38, chr20:18,526,472, plus strand): 5'-ACTGGAGGTCCCCCTACCCAAGGGCCTGGCATGGTGGTTGGAGATGAATTAAAGATTCCT[A>G]TTCGTTCTTGGCATGATATTGAGAAAGATAATGCACGATTCATGAAAAAGGCAACCAAGG-3'
Protein context (NP_006354.2, residues 302-322): MVVGDELKIP[Ile312Val]RSWHDIEKDN